The following is an entry in ClinVar:

ClinVar aggregate classification (germline): Uncertain significance. Review status: criteria provided, multiple submitters, no conflicts (2 of 4 stars). 3 submissions from 3 submitters: Uncertain significance (3). Last evaluated 2025-08-08.

Conditions:
Hereditary cancer-predisposing syndrome. Also called: Neoplastic Syndromes, Hereditary; Tumor predisposition; Hereditary neoplastic syndrome; Hereditary Cancer Syndrome. Identifiers: Orphanet 140162, MedGen C0027672, MeSH D009386, MONDO:0015356.
Familial cancer of breast. Also called: BREAST CANCER, FAMILIAL; Hereditary breast cancer; hereditary breast carcinoma. Identifiers: Orphanet 227535, MedGen C0346153, MONDO:0016419, OMIM 114480. Disease mechanism: loss of function.

gnomAD v4.1: 1 of 1,614,206 alleles (0.000062%); highest among the groups gnomAD compares: Non-Finnish European, 0.000085%; no homozygotes.

Submissions (3):

Ambry Genetics
Classification: Uncertain significance for Hereditary cancer-predisposing syndrome. Last evaluated: 2025-08-08. Review status: criteria provided, single submitter. Criteria: Ambry Variant Classification Scheme 2023. Collection method: clinical testing. Allele origin: germline.
Comment: The p.L760F variant (also known as c.2278C>T), located in coding exon 5 of the PALB2 gene, results from a C to T substitution at nucleotide position 2278. The leucine at codon 760 is replaced by phenylalanine, an amino acid with highly similar properties. This amino acid position is conserved. In addition, this alteration is predicted to be tolerated by in silico analysis. Since supporting evidence is limited at this time, the clinical significance of this alteration remains unclear.

Labcorp Genetics (formerly Invitae), Labcorp
Classification: Uncertain significance for Familial cancer of breast. Last evaluated: 2024-04-16. Review status: criteria provided, single submitter. Criteria: Invitae Variant Classification Sherloc (09022015). Collection method: clinical testing. Allele origin: germline.
Comment: This sequence change replaces leucine, which is neutral and non-polar, with phenylalanine, which is neutral and non-polar, at codon 760 of the PALB2 protein (p.Leu760Phe). This variant is not present in population databases (gnomAD no frequency). This variant has not been reported in the literature in individuals affected with PALB2-related conditions. ClinVar contains an entry for this variant (Variation ID: 568917). Advanced modeling of protein sequence and biophysical properties (such as structural, functional, and spatial information, amino acid conservation, physicochemical variation, residue mobility, and thermodynamic stability) performed at Invitae indicates that this missense variant is not expected to disrupt PALB2 protein function with a negative predictive value of 80%. In summary, the available evidence is currently insufficient to determine the role of this variant in disease. Therefore, it has been classified as a Variant of Uncertain Significance.

Color Diagnostics, LLC DBA Color Health
Classification: Uncertain significance for Hereditary cancer-predisposing syndrome. Last evaluated: 2023-12-04. Review status: criteria provided, single submitter. Criteria: ACMG Guidelines, 2015. Collection method: clinical testing. Allele origin: germline.
Comment: This missense variant replaces leucine with phenylalanine at codon 760 of the PALB2 protein. Computational prediction suggests that this variant may not impact protein structure and function (internally defined REVEL score threshold <= 0.5, PMID: 27666373). To our knowledge, functional studies have not been reported for this variant. This variant has not been reported in individuals affected with PALB2-related disorders in the literature. This variant has not been identified in the general population by the Genome Aggregation Database (gnomAD). The available evidence is insufficient to determine the role of this variant in disease conclusively. Therefore, this variant is classified as a Variant of Uncertain Significance.

NM_024675.4(PALB2):c.2278C>T (p.Leu760Phe)

Gene: PALB2 (partner and localizer of BRCA2; minus strand). Cytogenetic location: 16p12.2.
Variant type: single nucleotide variant.
Coding change: c.2278C>T on transcript NM_024675.4 (MANE Select); coding-DNA position 2278, C replaced by T.
Protein change: p.Leu760Phe; replaces leucine 760 with phenylalanine.
Molecular consequence: missense variant.
Genome position (GRCh38, 1-based): chr16:23,629,876, G>A on the plus strand (C>T on the coding strand, the complement: PALB2 is on the minus strand). VCF-style: chr16-23629876-G-A. GRCh37 (hg19) VCF-style: chr16-23641197-G-A.
Other names: short protein forms L760F.
Identifiers: ClinVar variation 568917 (VCV000568917.17), dbSNP rs769634658, ClinGen allele CA395125363.